The following is an entry in ClinVar:

NM_001374736.1(DST):c.5134A>C (p.Lys1712Gln)

Gene: DST (dystonin; minus strand). Cytogenetic location: 6p12.1.
Variant type: single nucleotide variant.
Coding change: c.5134A>C on transcript NM_001374736.1 (MANE Select); coding-DNA position 5134, A replaced by C.
Protein change: p.Lys1712Gln; replaces lysine 1712 with glutamine.
Molecular consequence: missense variant.
Genome position (GRCh38, 1-based): chr6:56,611,521, T>G on the plus strand (A>C on the coding strand, the complement: DST is on the minus strand). VCF-style: chr6-56611521-T-G. GRCh37 (hg19) VCF-style: chr6-56476319-T-G.
Other names: c.5035A>C, p.Lys1679Gln (NM_001144769.5); c.4621A>C, p.Lys1541Gln (NM_001144770.2); c.5134A>C, p.Lys1712Gln (NM_001374722.1); c.4501A>C, p.Lys1501Gln (NM_001374729.1, NM_001374730.1, NM_001386100.1 and 1 more transcripts); c.5161A>C, p.Lys1721Gln (NM_001374734.1); c.3523A>C, p.Lys1175Gln (NM_015548.5); short protein forms K1175Q, K1501Q, K1541Q, K1679Q, K1712Q, K1721Q.
Identifiers: ClinVar variation 3762228 (VCV003762228.2).

ClinVar aggregate classification (germline): Uncertain significance (1 of 4 stars; one submission).

Conditions:
Epidermolysis bullosa simplex 3, localized or generalized intermediate, with BP230 deficiency (EBS3). Also called: Epidermolysis bullosa simplex due to BP230 deficiency; Epidermolysis bullosa simplex, autosomal recessive 2. Identifiers: Orphanet 412181, MedGen C3809470, MONDO:0014180, OMIM 615425.
Hereditary sensory and autonomic neuropathy type 6. Also called: Neuropathy, hereditary sensory and autonomic, type VI; HSAN VI. Identifiers: Orphanet 314381, MedGen C3539003, MONDO:0013839, OMIM 614653.

gnomAD v4.1: 9 of 1,611,590 alleles (0.00056%); highest among the groups gnomAD compares: Non-Finnish European, 0.00076%; no homozygotes.

Submission:

Labcorp Genetics (formerly Invitae), Labcorp
Classification: Uncertain significance for Epidermolysis bullosa simplex 3, localized or generalized intermediate, with BP230 deficiency; Hereditary sensory and autonomic neuropathy type 6. Last evaluated: 2024-03-05. Review status: criteria provided, single submitter. Criteria: Invitae Variant Classification Sherloc (09022015). Collection method: clinical testing. Allele origin: germline.
Comment: The DST gene has multiple clinically relevant transcripts. This variant occurs in alternate transcript NM_015548.4, and corresponds to NM_001723.5:c.*3996A>C in the primary transcript. This sequence change replaces lysine, which is basic and polar, with glutamine, which is neutral and polar, at codon 1175 of the DST protein (p.Lys1175Gln). This variant is present in population databases (no rsID available, gnomAD 0.007%). This variant has not been reported in the literature in individuals affected with DST-related conditions. Experimental studies and prediction algorithms are not available or were not evaluated, and the functional significance of this variant is currently unknown. In summary, the available evidence is currently insufficient to determine the role of this variant in disease. Therefore, it has been classified as a Variant of Uncertain Significance.